The following is an entry in ClinVar:

NM_000051.4(ATM):c.2120C>T (p.Ser707Phe)

Gene: ATM (ATM serine/threonine kinase; plus strand). Cytogenetic location: 11q22.3.
Variant type: single nucleotide variant.
Coding change: c.2120C>T on transcript NM_000051.4 (MANE Select); coding-DNA position 2120, C replaced by T.
Protein change: p.Ser707Phe; replaces serine 707 with phenylalanine.
Molecular consequence: missense variant.
Genome position (GRCh38, 1-based): chr11:108,254,035, C>T. VCF-style: chr11-108254035-C-T. GRCh37 (hg19) VCF-style: chr11-108124762-C-T.
Other names: c.2120C>T, p.Ser707Phe (NM_001351834.2); short protein forms S707F.
Identifiers: ClinVar variation 3641141 (VCV003641141.2).
Genomic context (GRCh38, chr11:108,254,035, plus strand): 5'-AGGAATCACTGGATCGCTGTCTTCTGGGATTATCAGAACAGCTTCTGAATAATTACTCAT[C>T]TGAGGTGAGATTTTTTAAAAAAAGAACTAAGCTTATATATGATTCAACTTTGGTAAACTG-3'
Protein context (NP_000042.3, residues 697-717): LSEQLLNNYS[Ser707Phe]EITNSETLVR

ClinVar aggregate classification (germline): Uncertain significance (1 of 4 stars; one submission).

Conditions:
Ataxia-telangiectasia syndrome (AT). Also called: ATAXIA-TELANGIECTASIA, COMPLEMENTATION GROUP A; ATAXIA-TELANGIECTASIA, FRESNO VARIANT; LOUIS-BAR SYNDROME; Ataxia-telangiectasia, complementation group D; Ataxia-telangiectasia, complementation group E; Cerebello-oculocutaneous telangiectasia. Identifiers: Orphanet 100, MedGen C0004135, MONDO:0008840, OMIM 208900.

Submission:

Labcorp Genetics (formerly Invitae), Labcorp
Classification: Uncertain significance for Ataxia-telangiectasia syndrome. Last evaluated: 2025-08-07. Review status: criteria provided, single submitter. Criteria: Invitae Variant Classification Sherloc (09022015). Collection method: clinical testing. Allele origin: germline.
Comment: This sequence change replaces serine, which is neutral and polar, with phenylalanine, which is neutral and non-polar, at codon 707 of the ATM protein (p.Ser707Phe). This variant is not present in population databases (gnomAD no frequency). This variant has not been reported in the literature in individuals affected with ATM-related conditions. ClinVar contains an entry for this variant (Variation ID: 3641141). Invitae Evidence Modeling of protein sequence and biophysical properties (such as structural, functional, and spatial information, amino acid conservation, physicochemical variation, residue mobility, and thermodynamic stability) indicates that this missense variant is not expected to disrupt ATM protein function with a negative predictive value of 95%. In summary, the available evidence is currently insufficient to determine the role of this variant in disease. Therefore, it has been classified as a Variant of Uncertain Significance.